The following is an entry in ClinVar:

NM_005428.4(VAV1):c.1852C>T (p.Arg618Trp)

Gene: VAV1 (vav guanine nucleotide exchange factor 1; plus strand). Cytogenetic location: 19p13.3.
Variant type: single nucleotide variant.
Coding change: c.1852C>T on transcript NM_005428.4 (MANE Select); coding-DNA position 1852, C replaced by T.
Protein change: p.Arg618Trp; replaces arginine 618 with tryptophan.
Molecular consequence: missense variant.
Genome position (GRCh38, 1-based): chr19:6,836,506, C>T. VCF-style: chr19-6836506-C-T. GRCh37 (hg19) VCF-style: chr19-6836517-C-T.
Other names: c.1852C>T, p.Arg618Trp (NM_001258206.2); c.1756C>T, p.Arg586Trp (NM_001258207.2); c.1852C>T (NM_005428.2); short protein forms R618W, R586W.
Identifiers: ClinVar variation 1373724 (VCV001373724.9), dbSNP rs751523777, ClinGen allele CA9132760.

ClinVar aggregate classification (germline): Uncertain significance. Review status: criteria provided, multiple submitters, no conflicts (2 of 4 stars). 2 submissions from 2 submitters: Uncertain significance (2). Last evaluated 2025-10-21.

Allele frequency attached by ClinVar (database versions not stated): gnomAD exomes 0.00001 and 0.00002; ExAC 0.00002; gnomAD 0.00002; TOPMed 0.00002.
gnomAD v4.1: 23 of 1,613,942 alleles (0.0014%); highest among the groups gnomAD compares: Middle Eastern, 0.016%; no homozygotes.

Submissions (2):

Labcorp Genetics (formerly Invitae), Labcorp
Classification: Uncertain significance. Last evaluated: 2025-10-21. Review status: criteria provided, single submitter. Criteria: Invitae Variant Classification Sherloc (09022015). Collection method: clinical testing. Allele origin: germline.
Comment: This sequence change replaces arginine, which is basic and polar, with tryptophan, which is neutral and slightly polar, at codon 618 of the VAV1 protein (p.Arg618Trp). This variant is present in population databases (rs751523777, gnomAD 0.03%). This variant has not been reported in the literature in individuals affected with VAV1-related conditions. ClinVar contains an entry for this variant (Variation ID: 1373724). An algorithm developed to predict the effect of missense changes on protein structure and function (PolyPhen-2) suggests that this variant is likely to be disruptive. In summary, the available evidence is currently insufficient to determine the role of this variant in disease. Therefore, it has been classified as a Variant of Uncertain Significance.

Ambry Genetics
Classification: Uncertain significance. Last evaluated: 2025-10-06. Review status: criteria provided, single submitter. Criteria: Ambry Variant Classification Scheme 2023. Collection method: clinical testing. Allele origin: germline.